The following is an entry in ClinVar:

ClinVar aggregate classification (germline): Uncertain significance (1 of 4 stars; one submission).

Conditions:
Nemaline myopathy 2 (NEM2). Also called: Nemaline myopathy 2, autosomal recessive. Identifiers: MedGen C1850569, MONDO:0009725, OMIM 256030.

Submission:

Labcorp Genetics (formerly Invitae), Labcorp
Classification: Uncertain significance for Nemaline myopathy 2. Last evaluated: 2019-04-10. Review status: criteria provided, single submitter. Criteria: Invitae Variant Classification Sherloc (09022015). Collection method: clinical testing. Allele origin: germline.
Comment: This sequence change replaces leucine with glutamine at codon 512 of the NEB protein (p.Leu512Gln). The leucine residue is weakly conserved and there is a moderate physicochemical difference between leucine and glutamine. This variant is not present in population databases (ExAC no frequency). This variant has not been reported in the literature in individuals with NEB-related conditions. Algorithms developed to predict the effect of missense changes on protein structure and function are either unavailable or do not agree on the potential impact of this missense change (SIFT: "Deleterious"; PolyPhen-2: "Not Available"; Align-GVGD: "Class C0"). In summary, the available evidence is currently insufficient to determine the role of this variant in disease. Therefore, it has been classified as a Variant of Uncertain Significance.

NM_001164508.2(NEB):c.1535T>A (p.Leu512Gln)

Gene: NEB (nebulin; minus strand). Cytogenetic location: 2q23.3.
Variant type: single nucleotide variant.
Coding change: c.1535T>A on transcript NM_001164508.2 (MANE Select); coding-DNA position 1535, T replaced by A.
Protein change: p.Leu512Gln; replaces leucine 512 with glutamine.
Molecular consequence: missense variant.
Genome position (GRCh38, 1-based): chr2:151,696,671, A>T on the plus strand (T>A on the coding strand, the complement: NEB is on the minus strand). VCF-style: chr2-151696671-A-T. GRCh37 (hg19) VCF-style: chr2-152553185-A-T.
Other names: c.1535T>A, p.Leu512Gln (NM_001164507.2, NM_001271208.2, NM_004543.5); short protein forms L512Q.
Identifiers: ClinVar variation 857486 (VCV000857486.1), dbSNP rs2099599001, ClinGen allele CA348825132.
Genomic context (GRCh38, chr2:151,696,671, plus strand): 5'-TGTCCTGAGTAGTTAGAGGAACTTACGTCACTCAGTTGTTTGGAATTGACTTGGGCTTGT[A>T]GCAGAACAGGAGAGTCTGTAACTTGGGTGAATTTTGTCTTATCTGGATGGACTTTGTAGG-3'
Protein context (NP_001157980.2, residues 502-522): FTQVTDSPVL[Leu512Gln]QAQVNSKQLS